The following is an entry in ClinVar:

NM_004958.4(MTOR):c.121G>A (p.Ala41Thr)

Gene: MTOR (mechanistic target of rapamycin kinase; minus strand). Cytogenetic location: 1p36.22.
Variant type: single nucleotide variant.
Coding change: c.121G>A on transcript NM_004958.4 (MANE Select); coding-DNA position 121, G replaced by A.
Protein change: p.Ala41Thr; replaces alanine 41 with threonine.
Molecular consequence: missense variant.
Genome position (GRCh38, 1-based): chr1:11,259,289, C>T on the plus strand (G>A on the coding strand, the complement: MTOR is on the minus strand). VCF-style: chr1-11259289-C-T. GRCh37 (hg19) VCF-style: chr1-11319346-C-T.
Other names: short protein forms A41T.
Identifiers: ClinVar variation 957793 (VCV000957793.9), dbSNP rs758668050, ClinGen allele CA338405233.

ClinVar aggregate classification (germline): Uncertain significance (1 of 4 stars; one submission).

Submission:

Labcorp Genetics (formerly Invitae), Labcorp
Classification: Uncertain significance. Last evaluated: 2019-10-28. Review status: criteria provided, single submitter. Criteria: Invitae Variant Classification Sherloc (09022015). Collection method: clinical testing. Allele origin: germline.
Comment: This variant has not been reported in the literature in individuals with MTOR-related conditions. Algorithms developed to predict the effect of missense changes on protein structure and function are either unavailable or do not agree on the potential impact of this missense change (SIFT: "Tolerated"; PolyPhen-2: "Probably Damaging"; Align-GVGD: "Class C0"). In summary, the available evidence is currently insufficient to determine the role of this variant in disease. Therefore, it has been classified as a Variant of Uncertain Significance. This sequence change replaces alanine with threonine at codon 41 of the MTOR protein (p.Ala41Thr). The alanine residue is moderately conserved and there is a small physicochemical difference between alanine and threonine. This variant is not present in population databases (ExAC no frequency).